The following is an entry in ClinVar:

ClinVar aggregate classification (germline): Uncertain significance (1 of 4 stars; one submission).

Allele frequency attached by ClinVar (database versions not stated): gnomAD 0.00001; gnomAD exomes 0.00001; TOPMed 0.00001; ExAC 0.00003.
gnomAD v4.1: 23 of 1,614,046 alleles (0.0014%); highest among the groups gnomAD compares: South Asian, 0.0099%; no homozygotes.

Submission:

Labcorp Genetics (formerly Invitae), Labcorp
Classification: Uncertain significance. Last evaluated: 2022-09-15. Review status: criteria provided, single submitter. Criteria: Invitae Variant Classification Sherloc (09022015). Collection method: clinical testing. Allele origin: germline.
Comment: This sequence change replaces aspartic acid, which is acidic and polar, with asparagine, which is neutral and polar, at codon 2580 of the FLNB protein (p.Asp2580Asn). This variant is present in population databases (rs758182239, gnomAD 0.01%). This variant has not been reported in the literature in individuals affected with FLNB-related conditions. ClinVar contains an entry for this variant (Variation ID: 1362884). Advanced modeling of protein sequence and biophysical properties (such as structural, functional, and spatial information, amino acid conservation, physicochemical variation, residue mobility, and thermodynamic stability) performed at Invitae indicates that this missense variant is not expected to disrupt FLNB protein function. In summary, the available evidence is currently insufficient to determine the role of this variant in disease. Therefore, it has been classified as a Variant of Uncertain Significance.

NM_001457.4(FLNB):c.7738G>A (p.Asp2580Asn)

Gene: FLNB (filamin B; plus strand). Cytogenetic location: 3p14.3.
Variant type: single nucleotide variant.
Coding change: c.7738G>A on transcript NM_001457.4 (MANE Select); coding-DNA position 7738, G replaced by A.
Protein change: p.Asp2580Asn; replaces aspartic acid 2580 with asparagine.
Molecular consequence: missense variant.
Genome position (GRCh38, 1-based): chr3:58,170,691, G>A. VCF-style: chr3-58170691-G-A. GRCh37 (hg19) VCF-style: chr3-58156418-G-A.
Other names: c.7831G>A, p.Asp2611Asn (NM_001164317.2); c.7705G>A, p.Asp2569Asn (NM_001164318.2); c.7666G>A, p.Asp2556Asn (NM_001164319.2); short protein forms D2556N, D2580N, D2569N, D2611N.
Identifiers: ClinVar variation 1362884 (VCV001362884.8), dbSNP rs758182239, ClinGen allele CA2469781.
Genomic context (GRCh38, chr3:58,170,691, plus strand): 5'-TCCATGAAGCATGTAGGCAACCAGCAATACAACGTCACATACGTCGTCAAGGAGAGGGGC[G>A]ATTATGTGCTGGCTGTGAAGTGGGGGGAGGAACACATCCCTGGCAGCCCTTTTCATGTCA-3'
Protein context (NP_001448.2, residues 2570-2590): NVTYVVKERG[Asp2580Asn]YVLAVKWGEE